The following is an entry in ClinVar:

NM_032043.3(BRIP1):c.1152T>C (p.Asn384=)

Gene: BRIP1 (BRCA1 interacting DNA helicase 1; minus strand). Cytogenetic location: 17q23.2.
Variant type: single nucleotide variant.
Coding change: c.1152T>C on transcript NM_032043.3 (MANE Select); coding-DNA position 1152, T replaced by C.
Protein change: p.Asn384=; no amino-acid change (asparagine 384 retained).
Molecular consequence: synonymous variant.
Genome position (GRCh38, 1-based): chr17:61,799,288, A>G on the plus strand (T>C on the coding strand, the complement: BRIP1 is on the minus strand). VCF-style: chr17-61799288-A-G. GRCh37 (hg19) VCF-style: chr17-59876649-A-G.
Identifiers: ClinVar variation 765860 (VCV000765860.17), dbSNP rs1055794932, ClinGen allele CA292285716.
Genomic context (GRCh38, chr17:61,799,288, plus strand): 5'-TTCCCGAGCACAGTCCTCGATGTTATGAGCTTCATCTAAAATGACAACCTGTTCTTTCAG[A>G]TTTAAATCCATCTATAAGATAAAAGAATTTTCTTGTAAAACATTTGGCAAAATAGATTTA-3'
Protein context (NP_114432.2, residues 374-394): DAQIRESMDL[Asn384=]LKEQVVILDE

ClinVar aggregate classification (germline): Benign/Likely benign. Review status: criteria provided, multiple submitters, no conflicts (2 of 4 stars). 3 submissions from 3 submitters: Benign (1); Likely benign (2). Last evaluated 2024-08-26.

Conditions:
Familial cancer of breast. Also called: Hereditary breast cancer; BREAST CANCER, FAMILIAL; hereditary breast carcinoma. Identifiers: Orphanet 227535, MedGen C0346153, MONDO:0016419, OMIM 114480. Disease mechanism: loss of function.
Hereditary cancer-predisposing syndrome. Also called: Tumor predisposition; Hereditary Cancer Syndrome; Neoplastic Syndromes, Hereditary; Hereditary neoplastic syndrome. Identifiers: Orphanet 140162, MedGen C0027672, MeSH D009386, MONDO:0015356.
Fanconi anemia complementation group J. Also called: BRIP1-Related Fanconi Anemia. Identifiers: Orphanet 84, MedGen C1836860, MONDO:0012187, OMIM 609054.

Allele frequency attached by ClinVar (database versions not stated): gnomAD 0.00001; TOPMed 0.00002.
gnomAD v4.1: 1 of 1,611,560 alleles (0.000062%); highest among the groups gnomAD compares: Non-Finnish European, 0.000085%; no homozygotes.

Submissions (3):

Myriad Genetics, Inc.
Classification: Benign for Familial cancer of breast. Last evaluated: 2024-08-26. Review status: criteria provided, single submitter. Criteria: Myriad Autosomal Dominant, Autosomal Recessive and X-Linked Classification Criteria (2023). Collection method: clinical testing. Allele origin: unknown.
Comment: This variant is considered benign. This variant is a silent/synonymous amino acid change and it is not expected to impact splicing.

Labcorp Genetics (formerly Invitae), Labcorp
Classification: Likely benign for Familial cancer of breast; Fanconi anemia complementation group J. Last evaluated: 2024-03-06. Review status: criteria provided, single submitter. Criteria: Invitae Variant Classification Sherloc (09022015). Collection method: clinical testing. Allele origin: germline.

Ambry Genetics
Classification: Likely benign for Hereditary cancer-predisposing syndrome. Last evaluated: 2018-08-27. Review status: criteria provided, single submitter. Criteria: Ambry Variant Classification Scheme 2023. Collection method: clinical testing. Allele origin: germline.